The following is an entry in ClinVar:

NM_001025603.2(RFX5):c.1146del (p.Asn382fs)

Gene: RFX5 (regulatory factor X5; minus strand). Cytogenetic location: 1q21.3.
Variant type: Deletion.
Coding change: c.1146del on transcript NM_001025603.2 (MANE Select); coding-DNA position 1146, one base deleted (C; older notation c.1146delC).
Protein change: p.Asn382fs; shifts the reading frame from asparagine 382.
Molecular consequence: frameshift variant.
Genome position (GRCh38, 1-based): chr1:151,342,891, G deleted on the plus strand (C on the coding strand, the reverse complement: RFX5 is on the minus strand). VCF-style (leftmost placement, unchanged base first): chr1-151342890-TG-T. GRCh37 (hg19) VCF-style: chr1-151315366-TG-T.
Other names: c.1146del, p.Asn382fs (NM_000449.4, NM_001379412.1, NM_001379413.1 and 5 more transcripts); c.1026del, p.Asn342fs (NM_001379419.1, NM_001379420.1); short protein forms N342fs, N382fs.
Identifiers: ClinVar variation 1339720 (VCV001339720.1), dbSNP rs2102060624, ClinGen allele CA2573051360.

ClinVar aggregate classification (germline): Uncertain significance (1 of 4 stars; one submission).

Submission:

Women's Health and Genetics/Laboratory Corporation of America, LabCorp
Classification: Uncertain significance. Last evaluated: 2022-01-03. Review status: criteria provided, single submitter. Criteria: LabCorp Variant Classification Summary - May 2015. Collection method: clinical testing. Allele origin: germline.
Comment: Variant summary: RFX5 c.1146delC (p.Asn382LysfsX2) results in a premature termination codon. While this may not result in nonsense mediated decay due to its presence within the last exon, it is expected to disrupt over 200 amino acids of the RFX5 protein. Truncations downstream of this position have been reported in association with Major Histocompatibility Complex Class II Deficiency and Primary Immunodeficiency in HGMD. The variant was absent in 251444 control chromosomes. To our knowledge, no occurrence of c.1146delC in individuals affected with Bare Lymphocyte Syndrome 2 and no experimental evidence demonstrating its impact on protein function have been reported. No clinical diagnostic laboratories have submitted clinical-significance assessments for this variant to ClinVar after 2014. Based on the evidence outlined above, the variant was classified as VUS.